The following is an entry in ClinVar:

ClinVar aggregate classification (germline): Uncertain significance. Review status: criteria provided, multiple submitters, no conflicts (2 of 4 stars). 2 submissions from 2 submitters: Uncertain significance (2). Last evaluated 2024-10-24.

Allele frequency attached by ClinVar (database versions not stated): ExAC 0.00002; TOPMed 0.00003; gnomAD 0.00004; gnomAD exomes 0.00004; ESP Exome Variant Server 0.00008.
gnomAD v4.1: 57 of 1,613,898 alleles (0.0035%); highest among the groups gnomAD compares: Non-Finnish European, 0.0046%; no homozygotes.

Submissions (2):

Blueprint Genetics
Classification: Uncertain significance. Last evaluated: 2024-10-24. Review status: criteria provided, single submitter. Criteria: ACMG Guidelines, 2015. Collection method: clinical testing. Allele origin: germline.

Labcorp Genetics (formerly Invitae), Labcorp
Classification: Uncertain significance. Last evaluated: 2023-08-08. Review status: criteria provided, single submitter. Criteria: Invitae Variant Classification Sherloc (09022015). Collection method: clinical testing. Allele origin: germline.
Comment: In summary, the available evidence is currently insufficient to determine the role of this variant in disease. Therefore, it has been classified as a Variant of Uncertain Significance. Advanced modeling of protein sequence and biophysical properties (such as structural, functional, and spatial information, amino acid conservation, physicochemical variation, residue mobility, and thermodynamic stability) performed at Invitae indicates that this missense variant is not expected to disrupt FN1 protein function. ClinVar contains an entry for this variant (Variation ID: 2168528). This variant has not been reported in the literature in individuals affected with FN1-related conditions. This variant is present in population databases (rs371672247, gnomAD 0.002%). This sequence change replaces arginine, which is basic and polar, with glutamine, which is neutral and polar, at codon 1120 of the FN1 protein (p.Arg1120Gln).

NM_212482.4(FN1):c.3359G>A (p.Arg1120Gln)

Gene: FN1 (fibronectin 1; minus strand). Cytogenetic location: 2q35.
Variant type: single nucleotide variant.
Coding change: c.3359G>A on transcript NM_212482.4 (MANE Select); coding-DNA position 3359, G replaced by A.
Protein change: p.Arg1120Gln; replaces arginine 1120 with glutamine.
Molecular consequence: missense variant.
Genome position (GRCh38, 1-based): chr2:215,397,838, C>T on the plus strand (G>A on the coding strand, the complement: FN1 is on the minus strand). VCF-style: chr2-215397838-C-T. GRCh37 (hg19) VCF-style: chr2-216262561-C-T.
Other names: c.3359G>A, p.Arg1120Gln (NM_001306129.2, NM_001306130.2, NM_001306131.2 and 13 more transcripts); short protein forms R1120Q.
Identifiers: ClinVar variation 2168528 (VCV002168528.5), dbSNP rs371672247, ClinGen allele CA2094719.